The following is an entry in ClinVar:

NM_015346.4(ZFYVE26):c.6277C>G (p.Pro2093Ala)

Gene: ZFYVE26 (zinc finger FYVE-type containing 26; minus strand). Cytogenetic location: 14q24.1.
Variant type: single nucleotide variant.
Coding change: c.6277C>G on transcript NM_015346.4 (MANE Select); coding-DNA position 6277, C replaced by G.
Protein change: p.Pro2093Ala; replaces proline 2093 with alanine.
Molecular consequence: missense variant.
Genome position (GRCh38, 1-based): chr14:67,762,295, G>C on the plus strand (C>G on the coding strand, the complement: ZFYVE26 is on the minus strand). VCF-style: chr14-67762295-G-C. GRCh37 (hg19) VCF-style: chr14-68229012-G-C.
Other names: short protein forms P2093A.
Identifiers: ClinVar variation 2154919 (VCV002154919.1), dbSNP rs1195243336, ClinGen allele CA390163949.

ClinVar aggregate classification (germline): Uncertain significance (1 of 4 stars; one submission).

Conditions:
Spastic paraplegia. Identifiers: MedGen C0037772, HP:0001258.

Allele frequency attached by ClinVar (database versions not stated): gnomAD exomes below 0.00001.
gnomAD v4.1: 4 of 1,614,140 alleles (0.00025%); highest among the groups gnomAD compares: South Asian, 0.0022%; no homozygotes.

Submission:

Labcorp Genetics (formerly Invitae), Labcorp
Classification: Uncertain significance for Spastic paraplegia. Last evaluated: 2022-07-02. Review status: criteria provided, single submitter. Criteria: Invitae Variant Classification Sherloc (09022015). Collection method: clinical testing. Allele origin: germline.
Comment: This sequence change replaces proline, which is neutral and non-polar, with alanine, which is neutral and non-polar, at codon 2093 of the ZFYVE26 protein (p.Pro2093Ala). This variant is present in population databases (no rsID available, gnomAD 0.003%). This variant has not been reported in the literature in individuals affected with ZFYVE26-related conditions. Algorithms developed to predict the effect of missense changes on protein structure and function are either unavailable or do not agree on the potential impact of this missense change (SIFT: "Tolerated"; PolyPhen-2: "Possibly Damaging"; Align-GVGD: "Class C0"). In summary, the available evidence is currently insufficient to determine the role of this variant in disease. Therefore, it has been classified as a Variant of Uncertain Significance.